The following is an entry in ClinVar:

NM_000553.6(WRN):c.209+5G>A

Gene: WRN (WRN RecQ like helicase; plus strand). Cytogenetic location: 8p12.
Variant type: single nucleotide variant.
Coding change: c.209+5G>A on transcript NM_000553.6 (MANE Select); 5 bases into the intron after coding-DNA position 209, G replaced by A.
Molecular consequence: intron variant.
Genome position (GRCh38, 1-based): chr8:31,059,270, G>A. VCF-style: chr8-31059270-G-A. GRCh37 (hg19) VCF-style: chr8-30916786-G-A.
Identifiers: ClinVar variation 576138 (VCV000576138.9), dbSNP rs754208761, ClinGen allele CA4704002.

ClinVar aggregate classification (germline): Conflicting classifications of pathogenicity. Review status: criteria provided, conflicting classifications (1 of 4 stars). 2 submissions from 2 submitters: Likely pathogenic (1); Uncertain significance (1). Last evaluated 2026-08-06.

Conditions:
Werner syndrome (WRN). Identifiers: Orphanet 902, MedGen C0043119, MONDO:0010196, OMIM 277700.

Allele frequency attached by ClinVar (database versions not stated): gnomAD exomes below 0.00001 and 0.00001; ExAC 0.00001; gnomAD 0.00001; TOPMed 0.00001.
gnomAD v4.1: 6 of 1,606,338 alleles (0.00037%); highest among the groups gnomAD compares: Non-Finnish European, 0.00051%; no homozygotes.

Submissions (2):

OLLIN Analises Genomicas, OLLIN
Classification: Uncertain significance. Last evaluated: 2026-08-06. Review status: criteria provided, single submitter. Criteria: ACMG Guidelines 2015 PMID 25741868. Collection method: clinical testing. Allele origin: germline.
Comment: This variant, has been reported in ClinVar (accession VCV000576138.8) and in gnomAD with an allele frequency of 0.00037%. However, to our knowledge, it has not been reported in the scientific literature. Another pathogenic variant has been reported to result in the same amino acid substitution. According to the currently available evidence, this variant has been classified as uncertain significance (PS1_P, PM2_P, PP3).

Labcorp Genetics (formerly Invitae), Labcorp
Classification: Likely pathogenic for Werner syndrome. Last evaluated: 2025-07-24. Review status: criteria provided, single submitter. Criteria: Invitae Variant Classification Sherloc (09022015). Collection method: clinical testing. Allele origin: germline.
Comment: This sequence change falls in intron 3 of the WRN gene. It does not directly change the encoded amino acid sequence of the WRN protein. RNA analysis indicates that this variant induces altered splicing and may result in an absent or altered protein product. This variant is present in population databases (rs754208761, gnomAD 0.002%). This variant has not been reported in the literature in individuals affected with WRN-related conditions. ClinVar contains an entry for this variant (Variation ID: 576138). Variants that disrupt the consensus splice site are a relatively common cause of aberrant splicing (PMID: 17576681, 9536098). Studies have shown that this variant results in skipping of exon 3, and produces a non-functional protein and/or introduces a premature termination codon (internal data). In summary, the currently available evidence indicates that the variant is pathogenic, but additional data are needed to prove that conclusively. Therefore, this variant has been classified as Likely Pathogenic.

Literature cited by the submitters: PubMed 17576681 (cited by Labcorp Genetics (formerly Invitae), Labcorp); PubMed 9536098 (cited by Labcorp Genetics (formerly Invitae), Labcorp).